The following is an entry in ClinVar:

ClinVar aggregate classification (germline): Uncertain significance (1 of 4 stars; one submission).

Allele frequency attached by ClinVar (database versions not stated): gnomAD exomes below 0.00001; gnomAD 0.00001; TOPMed 0.00001.
gnomAD v4.1: 5 of 1,613,230 alleles (0.00031%); highest among the groups gnomAD compares: Non-Finnish European, 0.00042%; no homozygotes.

Submission:

Labcorp Genetics (formerly Invitae), Labcorp
Classification: Uncertain significance. Last evaluated: 2022-05-25. Review status: criteria provided, single submitter. Criteria: Invitae Variant Classification Sherloc (09022015). Collection method: clinical testing. Allele origin: germline.
Comment: This sequence change replaces methionine, which is neutral and non-polar, with threonine, which is neutral and polar, at codon 885 of the CEP250 protein (p.Met885Thr). This variant is not present in population databases (gnomAD no frequency). This variant has not been reported in the literature in individuals affected with CEP250-related conditions. Algorithms developed to predict the effect of missense changes on protein structure and function output the following: SIFT: "Not Available"; PolyPhen-2: "Benign"; Align-GVGD: "Not Available". The threonine amino acid residue is found in multiple mammalian species, which suggests that this missense change does not adversely affect protein function. In summary, the available evidence is currently insufficient to determine the role of this variant in disease. Therefore, it has been classified as a Variant of Uncertain Significance.

NM_007186.6(CEP250):c.2654T>C (p.Met885Thr)

Genes: CEP250 (centrosomal protein 250; plus strand), CEP250-AS1 (CEP250 antisense RNA 1; minus strand). Cytogenetic location: 20q11.22.
Variant type: single nucleotide variant.
Coding change: c.2654T>C on transcript NM_007186.6 (MANE Select); coding-DNA position 2654, T replaced by C.
Protein change: p.Met885Thr; replaces methionine 885 with threonine.
Molecular consequence: missense variant.
Genome position (GRCh38, 1-based): chr20:35,490,704, T>C. VCF-style: chr20-35490704-T-C. GRCh37 (hg19) VCF-style: chr20-34078530-T-C.
Other names: c.758T>C, p.Met253Thr (NM_001318219.1); short protein forms M885T, M253T.
Identifiers: ClinVar variation 2129816 (VCV002129816.1), dbSNP rs1166758356, ClinGen allele CA408739022.
Genomic context (GRCh38, chr20:35,490,704, plus strand): 5'-AGCGCTCCTGGCACCAGCAGGAGCTGGCAAAGGCTCTGGAGAGCTTAGAAAGGGAAAAAA[T>C]GGAGCTGGAAATGAGGCTAAAGGAGCAGCAGACAGAAATGGAGGCCATCCAGGCCCAGAG-3'
Protein context (NP_009117.2, residues 875-895): KALESLEREK[Met885Thr]ELEMRLKEQQ